The following is an entry in ClinVar:

NM_145290.4(ADGRA3):c.3257C>G (p.Ala1086Gly)

Gene: ADGRA3 (adhesion G protein-coupled receptor A3; minus strand). Cytogenetic location: 4p15.2.
Variant type: single nucleotide variant.
Coding change: c.3257C>G on transcript NM_145290.4 (MANE Select); coding-DNA position 3257, C replaced by G.
Protein change: p.Ala1086Gly; replaces alanine 1086 with glycine.
Molecular consequence: missense variant.
Genome position (GRCh38, 1-based): chr4:22,388,414, G>C on the plus strand (C>G on the coding strand, the complement: ADGRA3 is on the minus strand). VCF-style: chr4-22388414-G-C. GRCh37 (hg19) VCF-style: chr4-22390037-G-C.
Other names: short protein forms A1086G.
Identifiers: ClinVar variation 2818102 (VCV002818102.3), dbSNP rs1035414702, ClinGen allele CA356473326.
Genomic context (GRCh38, chr4:22,388,414, plus strand): 5'-AAGCTTGAAGCACTTTTGTTTGTGCATGAAGACTCCGCACTGCTATTGGGGCATTTGGGT[G>C]CCTCTCCATTCGTCCCATTAGAGTTGGGGGGCTGGACGTTGACTTGCACTGAATACGAGC-3'
Protein context (NP_660333.2, residues 1076-1096): PPNSNGTNGE[Ala1086Gly]PKCPNSSAES

ClinVar aggregate classification (germline): Uncertain significance (1 of 4 stars; one submission).

gnomAD v4.1: 9 of 1,614,052 alleles (0.00056%); highest among the groups gnomAD compares: Non-Finnish European, 0.00068%; no homozygotes.

Submission:

Labcorp Genetics (formerly Invitae), Labcorp
Classification: Uncertain significance. Last evaluated: 2022-12-14. Review status: criteria provided, single submitter. Criteria: Invitae Variant Classification Sherloc (09022015). Collection method: clinical testing. Allele origin: germline.
Comment: In summary, the available evidence is currently insufficient to determine the role of this variant in disease. Therefore, it has been classified as a Variant of Uncertain Significance. Algorithms developed to predict the effect of missense changes on protein structure and function are either unavailable or do not agree on the potential impact of this missense change (SIFT: "Deleterious"; PolyPhen-2: "Benign"; Align-GVGD: "Class C0"). This variant has not been reported in the literature in individuals affected with ADGRA3-related conditions. This variant is not present in population databases (gnomAD no frequency). This sequence change replaces alanine, which is neutral and non-polar, with glycine, which is neutral and non-polar, at codon 1086 of the ADGRA3 protein (p.Ala1086Gly).